The following is an entry in ClinVar:

ClinVar aggregate classification (germline): Uncertain significance (1 of 4 stars; one submission).

gnomAD v4.1: 3 of 1,614,134 alleles (0.00019%); highest among the groups gnomAD compares: Non-Finnish European, 0.00025%; no homozygotes.

Submission:

Women's Health and Genetics/Laboratory Corporation of America, LabCorp
Classification: Uncertain significance. Last evaluated: 2026-02-18. Review status: criteria provided, single submitter. Criteria: LabCorp Variant Classification Summary - May 2015. Collection method: clinical testing. Allele origin: germline.
Comment: Variant summary: BTD c.1262G>A (p.Gly421Glu) results in a non-conservative amino acid change in the encoded protein sequence. Algorithms developed to predict the effect of missense changes on protein structure and function are either unavailable or do not agree on the potential impact of this missense change. The variant was absent in 251428 control chromosomes (gnomAD). c.1262G>A has been observed in individuals affected with Biotinidase Deficiency (Sharma_2024). These data indicate that the variant may be associated with disease. To our knowledge, no experimental evidence demonstrating an impact on protein function has been reported. The following publication have been ascertained in the context of this evaluation (PMID: 38299772). No submitters have cited clinical-significance assessments for this variant to ClinVar. Based on the evidence outlined above, the variant was classified as VUS-possibly pathogenic.

Literature cited by the submitters: PubMed 38299772.

NM_001370658.1(BTD):c.1262G>A (p.Gly421Glu)

Gene: BTD (biotinidase; plus strand). Cytogenetic location: 3p25.1.
Variant type: single nucleotide variant.
Coding change: c.1262G>A on transcript NM_001370658.1 (MANE Select); coding-DNA position 1262, G replaced by A.
Protein change: p.Gly421Glu; replaces glycine 421 with glutamic acid.
Molecular consequence: missense variant. On other transcripts: intron variant (8).
Genome position (GRCh38, 1-based): chr3:15,645,178, G>A. VCF-style: chr3-15645178-G-A. GRCh37 (hg19) VCF-style: chr3-15686685-G-A.
Other names: c.1262G>A, p.Gly421Glu (NM_001407370.1, NM_001407371.1, NM_001407372.1 and 16 more transcripts); c.1015+247G>A (NM_001370752.1, NM_001407379.1); c.399+3121G>A (NM_001370753.1, NM_001407400.1, NM_001407401.1 and 3 more transcripts); short protein forms G421E.
Identifiers: ClinVar variation 4848253 (VCV004848253.1).